The following is an entry in ClinVar:

NM_000264.5(PTCH1):c.3821C>T (p.Ser1274Phe)

Gene: PTCH1 (patched 1; minus strand). Cytogenetic location: 9q22.32.
Variant type: single nucleotide variant.
Coding change: c.3821C>T on transcript NM_000264.5 (MANE Select); coding-DNA position 3821, C replaced by T.
Protein change: p.Ser1274Phe; replaces serine 1274 with phenylalanine.
Molecular consequence: missense variant. On other transcripts: non-coding transcript variant (1).
Genome position (GRCh38, 1-based): chr9:95,447,435, G>A on the plus strand (C>T on the coding strand, the complement: PTCH1 is on the minus strand). VCF-style: chr9-95447435-G-A. GRCh37 (hg19) VCF-style: chr9-98209717-G-A.
Other names: c.3623C>T, p.Ser1208Phe (NM_001083602.3); c.3818C>T, p.Ser1273Phe (NM_001083603.3); c.3368C>T, p.Ser1123Phe (NM_001083604.3, NM_001083605.3, NM_001083606.3 and 1 more transcripts); c.3665C>T, p.Ser1222Phe (NM_001354918.2); short protein forms S1222F, S1273F, S1123F, S1274F, S1208F.
Identifiers: ClinVar variation 3784569 (VCV003784569.1).
Genomic context (GRCh38, chr9:95,447,435, plus strand): 5'-GGCAGGGACCCTGAGTCCAGGTGGGGCTGCTGTCTCGGGTTCGAGGGTGGGTGATGCCTG[G>A]ATTCGGGATGGACCACCTGCAGAGGGTGAGGGTGGGTTAGAAGGGTGGTATCCCAGGCTG-3'
Protein context (NP_000255.2, residues 1264-1284): FAHSTVVHPE[Ser1274Phe]RHHPPSNPRQ

ClinVar aggregate classification (germline): Uncertain significance (1 of 4 stars; one submission).

Conditions:
Hereditary cancer-predisposing syndrome. Also called: Neoplastic Syndromes, Hereditary; Hereditary Cancer Syndrome; Tumor predisposition; Hereditary neoplastic syndrome. Identifiers: Orphanet 140162, MedGen C0027672, MeSH D009386, MONDO:0015356.

gnomAD v4.1: 1 of 1,591,946 alleles (0.000063%); highest among the groups gnomAD compares: African/African-American, 0.0013%; no homozygotes.

Submission:

Ambry Genetics
Classification: Uncertain significance for Hereditary cancer-predisposing syndrome. Last evaluated: 2025-01-24. Review status: criteria provided, single submitter. Criteria: Ambry Variant Classification Scheme 2023. Collection method: clinical testing. Allele origin: germline.
Comment: The p.S1274F variant (also known as c.3821C>T), located in coding exon 23 of the PTCH1 gene, results from a C to T substitution at nucleotide position 3821. The serine at codon 1274 is replaced by phenylalanine, an amino acid with highly dissimilar properties. This amino acid position is conserved. In addition, this alteration is predicted to be tolerated by in silico analysis. Based on the available evidence, the clinical significance of this variant remains unclear.